The following is an entry in ClinVar:

ClinVar aggregate classification (germline): Uncertain significance (1 of 4 stars; one submission).

Conditions:
Ehlers-Danlos syndrome, classic type, 1 (EDSCL1). Also called: EHLERS-DANLOS SYNDROME, GRAVIS TYPE; EHLERS-DANLOS SYNDROME, SEVERE CLASSIC TYPE; Ehlers-Danlos syndrome, type 1; Ehlers-Danlos Syndrome, Classic Type, COL5A1-Related; EDS I. Identifiers: MedGen C0268335, MONDO:0019567, OMIM 130000.

Submission:

Labcorp Genetics (formerly Invitae), Labcorp
Classification: Uncertain significance for Ehlers-Danlos syndrome, classic type, 1. Last evaluated: 2025-12-08. Review status: criteria provided, single submitter. Criteria: Invitae Variant Classification Sherloc (09022015). Collection method: clinical testing. Allele origin: germline.
Comment: This sequence change replaces proline, which is neutral and non-polar, with leucine, which is neutral and non-polar, at codon 870 of the COL5A1 protein (p.Pro870Leu). This variant is not present in population databases (gnomAD no frequency). This variant has not been reported in the literature in individuals affected with COL5A1-related conditions. Invitae Evidence Modeling of protein sequence and biophysical properties (such as structural, functional, and spatial information, amino acid conservation, physicochemical variation, residue mobility, and thermodynamic stability) has been performed for this missense variant. However, the output from this modeling did not meet the statistical confidence thresholds required to predict the impact of this variant on COL5A1 protein function. In summary, the available evidence is currently insufficient to determine the role of this variant in disease. Therefore, it has been classified as a Variant of Uncertain Significance.

NM_000093.5(COL5A1):c.2609C>T (p.Pro870Leu)

Gene: COL5A1 (collagen type V alpha 1 chain; plus strand). Cytogenetic location: 9q34.3.
Variant type: single nucleotide variant.
Coding change: c.2609C>T on transcript NM_000093.5 (MANE Select); coding-DNA position 2609, C replaced by T.
Protein change: p.Pro870Leu; replaces proline 870 with leucine.
Molecular consequence: missense variant.
Genome position (GRCh38, 1-based): chr9:134,786,011, C>T. VCF-style: chr9-134786011-C-T. GRCh37 (hg19) VCF-style: chr9-137677857-C-T.
Other names: c.2609C>T, p.Pro870Leu (NM_001278074.1); short protein forms P870L.
Identifiers: ClinVar variation 4746569 (VCV004746569.1).